The following is an entry in ClinVar:

NM_198578.4(LRRK2):c.4627A>G (p.Ile1543Val)

Gene: LRRK2 (leucine rich repeat kinase 2; plus strand). Cytogenetic location: 12q12.
Variant type: single nucleotide variant.
Coding change: c.4627A>G on transcript NM_198578.4 (MANE Select); coding-DNA position 4627, A replaced by G.
Protein change: p.Ile1543Val; replaces isoleucine 1543 with valine.
Molecular consequence: missense variant.
Genome position (GRCh38, 1-based): chr12:40,314,062, A>G. VCF-style: chr12-40314062-A-G. GRCh37 (hg19) VCF-style: chr12-40707864-A-G.
Other names: short protein forms I1543V.
Identifiers: ClinVar variation 308634 (VCV000308634.10), dbSNP rs201540075, ClinGen allele CA6514236.

ClinVar aggregate classification (germline): Uncertain significance. Review status: criteria provided, multiple submitters, no conflicts (2 of 4 stars). 2 submissions from 2 submitters: Uncertain significance (2). Last evaluated 2021-12-06.

Conditions:
Autosomal dominant Parkinson disease 8. Also called: LRRK2-Related Parkinson Disease; Parkinson disease 8; Parkinson disease 8, susceptibility to. Identifiers: Orphanet 411602, MedGen C1846862, MONDO:0011764, OMIM 607060.

Allele frequency attached by ClinVar (database versions not stated): gnomAD 0.00006; gnomAD exomes 0.00006; TOPMed 0.00006; ExAC 0.00008.
gnomAD v4.1: 71 of 1,612,578 alleles (0.0044%); highest among the groups gnomAD compares: Admixed American, 0.027%; no homozygotes.

Submissions (2):

Labcorp Genetics (formerly Invitae), Labcorp
Classification: Uncertain significance for Autosomal dominant Parkinson disease 8. Last evaluated: 2021-12-06. Review status: criteria provided, single submitter. Criteria: Invitae Variant Classification Sherloc (09022015). Collection method: clinical testing. Allele origin: germline.
Comment: This sequence change replaces isoleucine, which is neutral and non-polar, with valine, which is neutral and non-polar, at codon 1543 of the LRRK2 protein (p.Ile1543Val). This variant is present in population databases (rs201540075, gnomAD 0.02%). This variant has not been reported in the literature in individuals affected with LRRK2-related conditions. ClinVar contains an entry for this variant (Variation ID: 308634). Algorithms developed to predict the effect of missense changes on protein structure and function output the following: SIFT: "Tolerated"; PolyPhen-2: "Benign"; Align-GVGD: "Class C0". The valine amino acid residue is found in multiple mammalian species, which suggests that this missense change does not adversely affect protein function. In summary, the available evidence is currently insufficient to determine the role of this variant in disease. Therefore, it has been classified as a Variant of Uncertain Significance.

Illumina Laboratory Services, Illumina
Classification: Uncertain significance for Autosomal dominant Parkinson disease 8. Last evaluated: 2018-01-12. Review status: criteria provided, single submitter. Criteria: ICSL Variant Classification Criteria 13 December 2019. Collection method: clinical testing. Allele origin: germline.